The following is an entry in ClinVar:

ClinVar aggregate classification (germline): Likely pathogenic (1 of 4 stars; one submission).

Conditions:
Primary ciliary dyskinesia. Also called: Ciliary dyskinesia. Identifiers: Orphanet 244, MedGen C0008780, MONDO:0016575, HP:0012265.

Submission:

Labcorp Genetics (formerly Invitae), Labcorp
Classification: Likely pathogenic for Primary ciliary dyskinesia. Last evaluated: 2025-01-19. Review status: criteria provided, single submitter. Criteria: Invitae Variant Classification Sherloc (09022015). Collection method: clinical testing. Allele origin: germline.
Comment: This sequence change affects an acceptor splice site in intron 59 of the DNAH11 gene. It is expected to disrupt RNA splicing. Variants that disrupt the donor or acceptor splice site typically lead to a loss of protein function (PMID: 16199547), and loss-of-function variants in DNAH11 are known to be pathogenic (PMID: 18022865, 20513915, 22184204). This variant is not present in population databases (gnomAD no frequency). Disruption of this splice site has been observed in individual(s) with clinical features of autosomal recessive primary ciliary dyskinesia (internal data). Algorithms developed to predict the effect of sequence changes on RNA splicing suggest that this variant may disrupt the consensus splice site. In summary, the currently available evidence indicates that the variant is pathogenic, but additional data are needed to prove that conclusively. Therefore, this variant has been classified as Likely Pathogenic.

Literature cited by the submitters: PubMed 16199547; PubMed 18022865; PubMed 20513915; PubMed 22184204.

NM_001277115.2(DNAH11):c.9742-1G>C

Gene: DNAH11 (dynein axonemal heavy chain 11; plus strand). Cytogenetic location: 7p15.3.
Variant type: single nucleotide variant.
Coding change: c.9742-1G>C on transcript NM_001277115.2 (MANE Select); the canonical splice acceptor site of the intron before coding-DNA position 9742, G replaced by C.
Molecular consequence: splice acceptor variant.
Genome position (GRCh38, 1-based): chr7:21,787,400, G>C. VCF-style: chr7-21787400-G-C. GRCh37 (hg19) VCF-style: chr7-21827018-G-C.
Identifiers: ClinVar variation 3712473 (VCV003712473.2).